The following is an entry in ClinVar:

NM_004482.4(GALNT3):c.767G>T (p.Gly256Val)

Gene: GALNT3 (polypeptide N-acetylgalactosaminyltransferase 3; minus strand). Cytogenetic location: 2q24.3.
Variant type: single nucleotide variant.
Coding change: c.767G>T on transcript NM_004482.4 (MANE Select); coding-DNA position 767, G replaced by T.
Protein change: p.Gly256Val; replaces glycine 256 with valine.
Molecular consequence: missense variant.
Genome position (GRCh38, 1-based): chr2:165,761,976, C>A on the plus strand (G>T on the coding strand, the complement: GALNT3 is on the minus strand). VCF-style: chr2-165761976-C-A. GRCh37 (hg19) VCF-style: chr2-166618486-C-A.
Other names: short protein forms G256V.
Identifiers: ClinVar variation 2734292 (VCV002734292.3), dbSNP rs1688558323, ClinGen allele CA349039940.

ClinVar aggregate classification (germline): Likely pathogenic (1 of 4 stars; one submission).

Allele frequency attached by ClinVar (database versions not stated): gnomAD exomes below 0.00001.
gnomAD v4.1: 2 of 1,613,322 alleles (0.00012%); highest among the groups gnomAD compares: Middle Eastern, 0.017%; no homozygotes.

Submission:

Labcorp Genetics (formerly Invitae), Labcorp
Classification: Likely pathogenic. Last evaluated: 2023-03-28. Review status: criteria provided, single submitter. Criteria: Invitae Variant Classification Sherloc (09022015). Collection method: clinical testing. Allele origin: germline.
Comment: In summary, the currently available evidence indicates that the variant is pathogenic, but additional data are needed to prove that conclusively. Therefore, this variant has been classified as Likely Pathogenic. Advanced modeling of protein sequence and biophysical properties (such as structural, functional, and spatial information, amino acid conservation, physicochemical variation, residue mobility, and thermodynamic stability) performed at Invitae indicates that this missense variant is expected to disrupt GALNT3 protein function. This missense change has been observed in individual(s) with tumoral calcinosis (PMID: 25249269). It has also been observed to segregate with disease in related individuals. This variant is not present in population databases (gnomAD no frequency). This sequence change replaces glycine, which is neutral and non-polar, with valine, which is neutral and non-polar, at codon 256 of the GALNT3 protein (p.Gly256Val).

Literature cited by the submitters: PubMed 25249269.